The following is an entry in ClinVar:

NM_001009944.3(PKD1):c.11663_11678del (p.Phe3888fs)

Genes: PKD1 (polycystin 1, transient receptor potential channel interacting; minus strand), PKD1-AS1 (PKD1 antisense RNA 1; plus strand). Cytogenetic location: 16p13.3.
Variant type: Deletion.
Coding change: c.11663_11678del on transcript NM_001009944.3 (MANE Select); coding-DNA positions 11663 to 11678, 16 bases deleted (TTGCGCTGCGCCGCCT).
Protein change: p.Phe3888fs; shifts the reading frame from phenylalanine 3888.
Molecular consequence: frameshift variant. On other transcripts: non-coding transcript variant (1).
Genome position (GRCh38, 1-based): chr16:2,091,457-2,091,472, AGGCGGCGCAGCGCAA deleted on the plus strand (TTGCGCTGCGCCGCCT on the coding strand, the reverse complement: PKD1 is on the minus strand); deleting any 16 consecutive bases within chr16:2,091,457-2,091,475 gives the same sequence; the c. name uses the placement nearest the transcript's 3' end. VCF-style (leftmost placement, unchanged base first): chr16-2091456-GAGGCGGCGCAGCGCAA-G. GRCh37 (hg19) VCF-style: chr16-2141457-GAGGCGGCGCAGCGCAA-G.
Other names: c.11660_11675del, p.Phe3887fs (NM_000296.4); short protein forms F3887fs, F3888fs.
Identifiers: ClinVar variation 4854214 (VCV004854214.1).
Genomic context (GRCh38, chr16:2,091,456, plus strand): 5'-GCGGGGTCTGGCCGGGGACGGGCGTACCGAGGTGAGCAGAGGCAGCGAGAGGCCCGCGCT[GAGGCGGCGCAGCGCAA>G]AGGGGCGGACGCTGAGGGCGGCCAGGGCGCGGCCGGCCGCCGGGAACTCGAGGCGCAGCG-3'

ClinVar aggregate classification (germline): Likely pathogenic (1 of 4 stars; one submission).

Conditions:
Polycystic kidney disease, adult type (PKD1). Also called: Polycystic Kidney, Autosomal Dominant; POLYCYSTIC KIDNEY DISEASE, ADULT, TYPE I; Polycystic Kidney Disease 1, Autosomal Dominant; Polycystic kidney disease 1; Polycystic kidney disease 1, severe; POLYCYSTIC KIDNEY DISEASE 1 WITH OR WITHOUT POLYCYSTIC LIVER DISEASE. Identifiers: MedGen C3149841, MONDO:0008263, OMIM 173900.

Submission:

3billion
Classification: Likely pathogenic for Polycystic kidney disease, adult type. Last evaluated: 2025-08-11. Review status: criteria provided, single submitter. Criteria: ACMG Guidelines, 2015. Collection method: clinical testing. Allele origin: germline. Affected: yes.
Comment: The variant is not observed in the gnomAD v4.1.0 dataset. Predicted Consequence/Location: Frameshift: predicted to result in a loss or disruption of normal protein function through nonsense-mediated decay (NMD) or protein truncation. Multiple pathogenic variants are reported downstream of the variant. Therefore, this variant is classified as Likely pathogenic according to the recommendation of ACMG/AMP guideline.